The following is an entry in ClinVar:

NM_000135.4(FANCA):c.980T>A (p.Ile327Lys)

Gene: FANCA (FA complementation group A; minus strand). Cytogenetic location: 16q24.3.
Variant type: single nucleotide variant.
Coding change: c.980T>A on transcript NM_000135.4 (MANE Select); coding-DNA position 980, T replaced by A.
Protein change: p.Ile327Lys; replaces isoleucine 327 with lysine.
Molecular consequence: missense variant.
Genome position (GRCh38, 1-based): chr16:89,795,932, A>T on the plus strand (T>A on the coding strand, the complement: FANCA is on the minus strand). VCF-style: chr16-89795932-A-T. GRCh37 (hg19) VCF-style: chr16-89862340-A-T.
Other names: c.980T>A, p.Ile327Lys (NM_001286167.3); short protein forms I327K.
Identifiers: ClinVar variation 1382439 (VCV001382439.6), dbSNP rs2143558288, ClinGen allele CA397469889.

ClinVar aggregate classification (germline): Uncertain significance (1 of 4 stars; one submission).

Conditions:
Fanconi anemia (FA). Also called: Fanconi's anemia. Identifiers: Orphanet 84, MedGen C0015625, MeSH D005199, MONDO:0019391.

Submission:

Labcorp Genetics (formerly Invitae), Labcorp
Classification: Uncertain significance for Fanconi anemia. Last evaluated: 2021-11-30. Review status: criteria provided, single submitter. Criteria: Invitae Variant Classification Sherloc (09022015). Collection method: clinical testing. Allele origin: germline.
Comment: In summary, the available evidence is currently insufficient to determine the role of this variant in disease. Therefore, it has been classified as a Variant of Uncertain Significance. Advanced modeling of protein sequence and biophysical properties (such as structural, functional, and spatial information, amino acid conservation, physicochemical variation, residue mobility, and thermodynamic stability) performed at Invitae indicates that this missense variant is not expected to disrupt FANCA protein function. This variant has not been reported in the literature in individuals affected with FANCA-related conditions. This variant is not present in population databases (gnomAD no frequency). This sequence change replaces isoleucine, which is neutral and non-polar, with lysine, which is basic and polar, at codon 327 of the FANCA protein (p.Ile327Lys).